The following is an entry in ClinVar:

NM_001384950.1(NLRC5):c.4919+131G>A

Gene: NLRC5 (NLR family CARD domain containing 5; plus strand). Cytogenetic location: 16q13.
Variant type: single nucleotide variant.
Coding change: c.4919+131G>A on transcript NM_001384950.1 (MANE Select); 131 bases into the intron after coding-DNA position 4919, G replaced by A.
Molecular consequence: intron variant.
Genome position (GRCh38, 1-based): chr16:57,077,510, G>A. VCF-style: chr16-57077510-G-A. GRCh37 (hg19) VCF-style: chr16-57111422-G-A.
Other names: c.4835+131G>A (NM_001384954.1); c.4916+131G>A (NM_001384953.1, NM_001384952.1); c.4829+131G>A (NM_001384957.1); c.4832+131G>A (NM_001384956.1, NM_001384951.1, NM_001384955.1 and 1 more transcripts); c.4742+131G>A (NM_001384959.1); c.4919+131G>A (NM_032206.5); c.4745+131G>A (NM_001384958.1); c.4658+131G>A (NM_001384960.1).
Identifiers: ClinVar variation 103201 (VCV000103201.2), dbSNP rs199476013, ClinGen allele CA230250.
Genomic context (GRCh38, chr16:57,077,510, plus strand): 5'-CTGAGGCCAGCATGGTAAAATCTCCCCTGCGCCAACCTCAGTGTCCAGGCAGTGGGGCTC[G>A]GTGACCTCCTGGCCCTCACTGCGGGACCTTAAGCCACCCCAGCCCCTGCTCTTCTCTGGG-3'

ClinVar aggregate classification (germline): not provided (0 of 4 stars; one submission).

Allele frequency attached by ClinVar (database versions not stated): gnomAD 0.00004; gnomAD exomes 0.00005; TOPMed 0.00005.
gnomAD v4.1: 43 of 975,826 alleles (0.0044%); highest among the groups gnomAD compares: East Asian, 0.071%; no homozygotes.

Submission:

Human Evolutionary Genetics, Institut Pasteur
No classification provided. Review status: no classification provided. Collection method: not provided. Allele origin: germline.
ClinVar note: Converted during submission from untested to not provided.